The following is an entry in ClinVar:

NM_001375834.1(WIPF1):c.467G>A (p.Gly156Asp)

Gene: WIPF1 (WAS/WASL interacting protein family member 1; minus strand). Cytogenetic location: 2q31.1.
Variant type: single nucleotide variant.
Coding change: c.467G>A on transcript NM_001375834.1 (MANE Select); coding-DNA position 467, G replaced by A.
Protein change: p.Gly156Asp; replaces glycine 156 with aspartic acid.
Molecular consequence: missense variant. On other transcripts: intron variant (1).
Genome position (GRCh38, 1-based): chr2:174,572,338, C>T on the plus strand (G>A on the coding strand, the complement: WIPF1 is on the minus strand). VCF-style: chr2-174572338-C-T. GRCh37 (hg19) VCF-style: chr2-175437066-C-T.
Other names: c.467G>A, p.Gly156Asp (NM_001077269.1, NM_001375832.1, NM_001375833.1 and 5 more transcripts); c.182-93G>A (NM_001375839.1); short protein forms G156D.
Identifiers: ClinVar variation 3703724 (VCV003703724.1).

ClinVar aggregate classification (germline): Uncertain significance (1 of 4 stars; one submission).

Conditions:
Wiskott-Aldrich syndrome 2 (WAS2). Also called: WIPF1 DEFICIENCY. Identifiers: Orphanet 906, MedGen C3281001, MONDO:0013779, OMIM 614493.

gnomAD v4.1: 40 of 1,613,932 alleles (0.0025%); highest among the groups gnomAD compares: Non-Finnish European, 0.0032%; no homozygotes.

Submission:

Labcorp Genetics (formerly Invitae), Labcorp
Classification: Uncertain significance for Wiskott-Aldrich syndrome 2. Last evaluated: 2024-12-12. Review status: criteria provided, single submitter. Criteria: Invitae Variant Classification Sherloc (09022015). Collection method: clinical testing. Allele origin: germline.
Comment: This sequence change replaces glycine, which is neutral and non-polar, with aspartic acid, which is acidic and polar, at codon 156 of the WIPF1 protein (p.Gly156Asp). This variant is present in population databases (rs150498191, gnomAD 0.008%). This variant has not been reported in the literature in individuals affected with WIPF1-related conditions. An algorithm developed to predict the effect of missense changes on protein structure and function (PolyPhen-2) suggests that this variant is likely to be disruptive. In summary, the available evidence is currently insufficient to determine the role of this variant in disease. Therefore, it has been classified as a Variant of Uncertain Significance.